The following is an entry in ClinVar:

NM_000179.3(MSH6):c.698C>A (p.Pro233His)

Gene: MSH6 (mutS homolog 6; plus strand). Cytogenetic location: 2p16.3.
Variant type: single nucleotide variant.
Coding change: c.698C>A on transcript NM_000179.3 (MANE Select); coding-DNA position 698, C replaced by A.
Protein change: p.Pro233His; replaces proline 233 with histidine.
Molecular consequence: missense variant. On other transcripts: 5 prime UTR variant (2).
Genome position (GRCh38, 1-based): chr2:47,798,681, C>A. VCF-style: chr2-47798681-C-A. GRCh37 (hg19) VCF-style: chr2-48025820-C-A.
Other names: c.308C>A, p.Pro103His (NM_001281492.2); c.-209C>A (NM_001281493.2, NM_001281494.2, NM_001406811.1 and 6 more transcripts); c.794C>A, p.Pro265His (NM_001406795.1, NM_001406802.1); c.698C>A, p.Pro233His (NM_001406796.1, NM_001406798.1, NM_001406800.1 and 4 more transcripts); c.401C>A, p.Pro134His (NM_001406797.1, NM_001406801.1, NM_001406805.1 and 10 more transcripts); c.173C>A, p.Pro58His (NM_001406799.1, NM_001406806.1, NM_001406807.1); c.620C>A, p.Pro207His (NM_001406804.1); c.704C>A, p.Pro235His (NM_001406813.1); and 1 more; short protein forms P58H, P103H, P134H, P235H, P207H, P233H, P265H, P177H.
Identifiers: ClinVar variation 1756456 (VCV001756456.2), dbSNP rs142949377, ClinGen allele CA346739965.
Genomic context (GRCh38, chr2:47,798,681, plus strand): 5'-CTTACGTAACAGATAAGAGTGAAGAAGATAATGAAATTGAGAGTGAAGAGGAAGTACAGC[C>A]TAAGACACAAGGATCTAGGCGAAGTAGCCGCCAAATAAAAAAACGAAGGGTCATATCAGA-3'
Protein context (NP_000170.1, residues 223-243): NEIESEEEVQ[Pro233His]KTQGSRRSSR

ClinVar aggregate classification (germline): Uncertain significance (1 of 4 stars; one submission).

Conditions:
Hereditary cancer-predisposing syndrome. Also called: Neoplastic Syndromes, Hereditary; Tumor predisposition; Hereditary Cancer Syndrome; Hereditary neoplastic syndrome. Identifiers: Orphanet 140162, MedGen C0027672, MeSH D009386, MONDO:0015356.

Submission:

Ambry Genetics
Classification: Uncertain significance for Hereditary cancer-predisposing syndrome. Last evaluated: 2019-10-11. Review status: criteria provided, single submitter. Criteria: Ambry Variant Classification Scheme 2023. Collection method: clinical testing. Allele origin: germline.
Comment: The p.P233H variant (also known as c.698C>A), located in coding exon 4 of the MSH6 gene, results from a C to A substitution at nucleotide position 698. The proline at codon 233 is replaced by histidine, an amino acid with similar properties. This amino acid position is highly conserved through mammals but not in all available vertebrate species. In addition, the in silico prediction for this alteration is inconclusive. Since supporting evidence is limited at this time, the clinical significance of this alteration remains unclear.